The following is an entry in ClinVar:

NM_014055.4(IFT81):c.1985T>C (p.Ile662Thr)

Gene: IFT81 (intraflagellar transport 81; plus strand). Cytogenetic location: 12q24.11.
Variant type: single nucleotide variant.
Coding change: c.1985T>C on transcript NM_014055.4 (MANE Select); coding-DNA position 1985, T replaced by C.
Protein change: p.Ile662Thr; replaces isoleucine 662 with threonine.
Molecular consequence: missense variant. On other transcripts: non-coding transcript variant (4).
Genome position (GRCh38, 1-based): chr12:110,218,180, T>C. VCF-style: chr12-110218180-T-C. GRCh37 (hg19) VCF-style: chr12-110655985-T-C.
Other names: c.1985T>C, p.Ile662Thr (NM_001143779.2); c.1055T>C, p.Ile352Thr (NM_001347947.2, NM_001347948.2); c.1985T>C (NM_014055.3); short protein forms I352T, I662T.
Identifiers: ClinVar variation 1418853 (VCV001418853.5), dbSNP rs1870386954, ClinGen allele CA386911197.

ClinVar aggregate classification (germline): Uncertain significance. Review status: criteria provided, multiple submitters, no conflicts (2 of 4 stars). 2 submissions from 2 submitters: Uncertain significance (2). Last evaluated 2022-05-27.

Conditions:
Inborn genetic diseases. Identifiers: MedGen C0950123, MeSH D030342.

gnomAD v4.1: 5 of 1,583,958 alleles (0.00032%); highest among the groups gnomAD compares: Admixed American, 0.0058%; no homozygotes.

Submissions (2):

Labcorp Genetics (formerly Invitae), Labcorp
Classification: Uncertain significance. Last evaluated: 2022-05-27. Review status: criteria provided, single submitter. Criteria: Invitae Variant Classification Sherloc (09022015). Collection method: clinical testing. Allele origin: germline.
Comment: In summary, the available evidence is currently insufficient to determine the role of this variant in disease. Therefore, it has been classified as a Variant of Uncertain Significance. Algorithms developed to predict the effect of missense changes on protein structure and function are either unavailable or do not agree on the potential impact of this missense change (SIFT: "Deleterious"; PolyPhen-2: "Benign"; Align-GVGD: "Class C0"). This variant has not been reported in the literature in individuals affected with IFT81-related conditions. This variant is not present in population databases (gnomAD no frequency). This sequence change replaces isoleucine, which is neutral and non-polar, with threonine, which is neutral and polar, at codon 662 of the IFT81 protein (p.Ile662Thr).

Ambry Genetics
Classification: Uncertain significance for Inborn genetic diseases. Last evaluated: 2021-09-15. Review status: criteria provided, single submitter. Criteria: Ambry Variant Classification Scheme 2023. Collection method: clinical testing. Allele origin: germline.